The following is an entry in ClinVar:

NM_015272.5(RPGRIP1L):c.1037A>G (p.Asp346Gly)

Gene: RPGRIP1L (RPGRIP1 like; minus strand). Cytogenetic location: 16q12.2.
Variant type: single nucleotide variant.
Coding change: c.1037A>G on transcript NM_015272.5 (MANE Select); coding-DNA position 1037, A replaced by G.
Protein change: p.Asp346Gly; replaces aspartic acid 346 with glycine.
Molecular consequence: missense variant.
Genome position (GRCh38, 1-based): chr16:53,671,576, T>C on the plus strand (A>G on the coding strand, the complement: RPGRIP1L is on the minus strand). VCF-style: chr16-53671576-T-C. GRCh37 (hg19) VCF-style: chr16-53705488-T-C.
Other names: c.1037A>G, p.Asp346Gly (NM_001127897.4, NM_001308334.3, NM_001330538.2); short protein forms D346G.
Identifiers: ClinVar variation 3346279 (VCV003346279.1).

ClinVar aggregate classification (germline): Uncertain significance (0 of 4 stars; one submission).

Conditions:
RPGRIP1L-related disorder. Also called: RPGRIP1L-related condition; RPGRIP1L-related disorders. Identifiers: MedGen CN239416.

gnomAD v4.1: 2 of 1,517,578 alleles (0.00013%); highest among the groups gnomAD compares: South Asian, 0.0023%; no homozygotes.

Submission:

PreventionGenetics, part of Exact Sciences
Classification: Uncertain significance for RPGRIP1L-related condition. Last evaluated: 2024-07-31. Review status: no assertion criteria provided. Collection method: clinical testing. Allele origin: germline.
Comment: The RPGRIP1L c.1037A>G variant is predicted to result in the amino acid substitution p.Asp346Gly. To our knowledge, this variant has not been reported in the literature or in a large population database, indicating this variant is rare. At this time, the clinical significance of this variant is uncertain due to the absence of conclusive functional and genetic evidence.